The following is an entry in ClinVar:

NM_001367624.2(ZNF469):c.2002G>A (p.Ala668Thr)

Gene: ZNF469 (zinc finger protein 469; plus strand). Cytogenetic location: 16q24.2.
Variant type: single nucleotide variant.
Coding change: c.2002G>A on transcript NM_001367624.2 (MANE Select); coding-DNA position 2002, G replaced by A.
Protein change: p.Ala668Thr; replaces alanine 668 with threonine.
Molecular consequence: missense variant.
Genome position (GRCh38, 1-based): chr16:88,429,472, G>A. VCF-style: chr16-88429472-G-A. GRCh37 (hg19) VCF-style: chr16-88495880-G-A.
Other names: NM_001127464.1:c.2002G>A; short protein forms A668T.
Identifiers: ClinVar variation 3987374 (VCV003987374.1).
Genomic context (GRCh38, chr16:88,429,472, plus strand): 5'-TTCCCGTCCCCGGAGCCCCCCCACTCCCTCCCCACCCACTACCAGCCAGAGCCAGCCAAG[G>A]CCTTCCCTTTTCCCGCAGATGGGCTGGGAGCCGAGGGTGCCTTCCAGTGCCTGGAGGAGA-3'
Protein context (NP_001354553.1, residues 658-678): PTHYQPEPAK[Ala668Thr]FPFPADGLGA

ClinVar aggregate classification (germline): Uncertain significance (1 of 4 stars; one submission).

Conditions:
Cardiovascular phenotype. Identifiers: MedGen CN230736.

gnomAD v4.1: 2 of 1,547,534 alleles (0.00013%); highest among the groups gnomAD compares: Non-Finnish European, 0.00017%; no homozygotes.

Submission:

Ambry Genetics
Classification: Uncertain significance for Cardiovascular phenotype. Last evaluated: 2025-05-30. Review status: criteria provided, single submitter. Criteria: Ambry Variant Classification Scheme 2023. Collection method: clinical testing. Allele origin: germline.
Comment: The p.A668T variant (also known as c.2002G>A), located in coding exon 1 of the ZNF469 gene, results from a G to A substitution at nucleotide position 2002. The alanine at codon 668 is replaced by threonine, an amino acid with similar properties. This amino acid position is conserved. In addition, this alteration is predicted to be tolerated by in silico analysis. Based on the available evidence, the clinical significance of this variant remains unclear.